The following is an entry in ClinVar:

ClinVar aggregate classification (germline): Conflicting classifications of pathogenicity. Review status: criteria provided, conflicting classifications (1 of 4 stars). 3 submissions from 3 submitters: Uncertain significance (2); Likely benign (1). Last evaluated 2025-08-20.

Conditions:
Nemaline myopathy 2 (NEM2). Also called: Nemaline myopathy 2, autosomal recessive. Identifiers: MedGen C1850569, MONDO:0009725, OMIM 256030.

Allele frequency attached by ClinVar (database versions not stated): ExAC 0.00002; gnomAD 0.00001; gnomAD exomes 0.00001.
gnomAD v4.1: 12 of 1,613,882 alleles (0.00074%); highest among the groups gnomAD compares: Admixed American, 0.0017%; no homozygotes.

Submissions (3):

Labcorp Genetics (formerly Invitae), Labcorp
Classification: Likely benign for Nemaline myopathy 2. Last evaluated: 2025-08-20. Review status: criteria provided, single submitter. Criteria: Invitae Variant Classification Sherloc (09022015). Collection method: clinical testing. Allele origin: germline.

GeneDx
Classification: Uncertain significance. Last evaluated: 2025-05-15. Review status: criteria provided, single submitter. Criteria: GeneDx Variant Classification Process June 2021. Collection method: clinical testing. Allele origin: germline. Affected: yes.
Comment: Not observed at significant frequency in large population cohorts (gnomAD); In silico analysis suggests that this missense variant does not alter protein structure/function; Has not been previously published as pathogenic or benign to our knowledge

Revvity Omics, Revvity
Classification: Uncertain significance. Last evaluated: 2021-10-12. Review status: criteria provided, single submitter. Criteria: ACMG Guidelines, 2015. Collection method: clinical testing. Allele origin: germline.

NM_001164508.2(NEB):c.4384A>G (p.Lys1462Glu)

Gene: NEB (nebulin; minus strand). Cytogenetic location: 2q23.3.
Variant type: single nucleotide variant.
Coding change: c.4384A>G on transcript NM_001164508.2 (MANE Select); coding-DNA position 4384, A replaced by G.
Protein change: p.Lys1462Glu; replaces lysine 1462 with glutamic acid.
Molecular consequence: missense variant.
Genome position (GRCh38, 1-based): chr2:151,671,145, T>C on the plus strand (A>G on the coding strand, the complement: NEB is on the minus strand). VCF-style: chr2-151671145-T-C. GRCh37 (hg19) VCF-style: chr2-152527659-T-C.
Other names: c.4384A>G, p.Lys1462Glu (NM_001164507.2, NM_001271208.2, NM_004543.5); short protein forms K1462E.
Identifiers: ClinVar variation 2201822 (VCV002201822.8), dbSNP rs764730223, ClinGen allele CA1910643.